The following is an entry in ClinVar:

ClinVar aggregate classification (germline): Uncertain significance. Review status: criteria provided, multiple submitters, no conflicts (2 of 4 stars). 2 submissions from 2 submitters: Uncertain significance (2). Last evaluated 2025-09-05.

Conditions:
Inborn genetic diseases. Identifiers: MedGen C0950123, MeSH D030342.

Allele frequency attached by ClinVar (database versions not stated): gnomAD exomes below 0.00001; gnomAD 0.00001; TOPMed 0.00003; ESP Exome Variant Server 0.00008.
gnomAD v4.1: 4 of 1,611,578 alleles (0.00025%); highest among the groups gnomAD compares: African/African-American, 0.004%; no homozygotes.

Submissions (2):

Ambry Genetics
Classification: Uncertain significance for Inborn genetic diseases. Last evaluated: 2025-09-05. Review status: criteria provided, single submitter. Criteria: Ambry Variant Classification Scheme 2023. Collection method: clinical testing. Allele origin: germline.

GeneDx
Classification: Uncertain significance. Last evaluated: 2025-03-20. Review status: criteria provided, single submitter. Criteria: GeneDx Variant Classification Process June 2021. Collection method: clinical testing. Allele origin: germline. Affected: yes.
Comment: In silico analysis indicates that this missense variant does not alter protein structure/function; Has not been previously published as pathogenic or benign to our knowledge

NM_004667.6(HERC2):c.7013A>G (p.Lys2338Arg)

Gene: HERC2 (HECT and RLD domain containing E3 ubiquitin protein ligase 2; minus strand). Cytogenetic location: 15q13.1.
Variant type: single nucleotide variant.
Coding change: c.7013A>G on transcript NM_004667.6 (MANE Select); coding-DNA position 7013, A replaced by G.
Protein change: p.Lys2338Arg; replaces lysine 2338 with arginine.
Molecular consequence: missense variant.
Genome position (GRCh38, 1-based): chr15:28,211,058, T>C on the plus strand (A>G on the coding strand, the complement: HERC2 is on the minus strand). VCF-style: chr15-28211058-T-C. GRCh37 (hg19) VCF-style: chr15-28456204-T-C.
Other names: c.7013A>G (NM_004667.5); short protein forms K2338R.
Identifiers: ClinVar variation 2620326 (VCV002620326.4), dbSNP rs369997607, ClinGen allele CA267949738.